The following is an entry in ClinVar:

ClinVar aggregate classification (germline): Uncertain significance (1 of 4 stars; one submission).

Submission:

Laboratory for Molecular Medicine, Mass General Brigham Personalized Medicine
Classification: Uncertain significance. Last evaluated: 2017-08-31. Review status: criteria provided, single submitter. Criteria: LMM Criteria. Collection method: clinical testing. Allele origin: germline. Observed: 2 variant alleles.
Comment: The p.Val21946Phe variant in TTN has not been previously reported in individuals with cardiomyopathy and was absent from large population studies. Computational prediction tools and conservation analysis suggest that the p.Val21946Phe varia nt may impact the protein, though this information is not predictive enough to d etermine pathogenicity. In summary, the clinical significance of the p.Val21946P he variant is uncertain. ACMG/AMP Criteria applied: PM2, PP3.

NM_001267550.2(TTN):c.73540G>T (p.Val24514Phe)

Genes: TTN (titin; minus strand), TTN-AS1 (TTN antisense RNA 1; plus strand). Cytogenetic location: 2q31.2.
Variant type: single nucleotide variant.
Coding change: c.73540G>T on transcript NM_001267550.2 (MANE Select); coding-DNA position 73540, G replaced by T.
Protein change: p.Val24514Phe; replaces valine 24514 with phenylalanine.
Molecular consequence: missense variant.
Genome position (GRCh38, 1-based): chr2:178,572,592, C>A on the plus strand (G>T on the coding strand, the complement: TTN is on the minus strand). VCF-style: chr2-178572592-C-A. GRCh37 (hg19) VCF-style: chr2-179437319-C-A.
Other names: c.65836G>T, p.Val21946Phe (NM_133378.4); c.68617G>T, p.Val22873Phe (NM_001256850.1); c.46345G>T, p.Val15449Phe (NM_003319.4); c.46720G>T, p.Val15574Phe (NM_133432.3); c.46921G>T, p.Val15641Phe (NM_133437.4); short protein forms V21946F, V24514F, V15449F, V15641F, V22873F, V15574F.
Identifiers: ClinVar variation 506019 (VCV000506019.5), dbSNP rs1553607188, ClinGen allele CA349638564.